The following is an entry in ClinVar:

ClinVar aggregate classification (germline): Pathogenic/Likely pathogenic. Review status: criteria provided, multiple submitters, no conflicts (2 of 4 stars). 3 submissions from 3 submitters: Pathogenic (2); Likely pathogenic (1). Last evaluated 2026-02-10.

Conditions:
ERCC6-related disorder. Also called: ERCC6-related condition; ERCC6-related disorders. Identifiers: MedGen CN239385.

Submissions (3):

GeneDx
Classification: Likely pathogenic. Last evaluated: 2026-02-10. Review status: criteria provided, single submitter. Criteria: GeneDx Variant Classification Process June 2021. Collection method: clinical testing. Allele origin: germline.
Comment: Canonical splice site variant predicted to result in an in-frame loss of the adjacent exon in a gene for which loss of function is a known mechanism of disease; Not observed at significant frequency in large population cohorts (gnomAD); This variant is associated with the following publications: (PMID: 25463447, 31028937, 23599700)

PreventionGenetics, part of Exact Sciences
Classification: Pathogenic for ERCC6-related condition. Last evaluated: 2022-11-11. Review status: criteria provided, single submitter. Criteria: ACMG Guidelines, 2015. Collection method: clinical testing. Allele origin: germline.
Comment: The ERCC6 c.2709+1G>T variant is predicted to disrupt the GT donor site and interfere with normal splicing. This variant was reported in an the homozygous and compound heterozygous states in individuals of Old Order Amish descent with Cockayne syndrome (Xin et al. 2013. PubMed ID: 23599700). This variant has not been reported in a large population database, indicating this variant is rare. Variants that disrupt the consensus splice donor site in ERCC6 are expected to be pathogenic. This variant is interpreted as pathogenic.

Labcorp Genetics (formerly Invitae), Labcorp
Classification: Pathogenic. Last evaluated: 2022-04-09. Review status: criteria provided, single submitter. Criteria: Invitae Variant Classification Sherloc (09022015). Collection method: clinical testing. Allele origin: germline.
Comment: This sequence change affects a donor splice site in intron 14 of the ERCC6 gene. It is expected to disrupt RNA splicing. Variants that disrupt the donor or acceptor splice site typically lead to a loss of protein function (PMID: 16199547), and loss-of-function variants in ERCC6 are known to be pathogenic (PMID: 18628313, 29572252). This variant is not present in population databases (gnomAD no frequency). Disruption of this splice site has been observed in individuals with Cockayne syndrome (PMID: 23599700). It has also been observed to segregate with disease in related individuals. ClinVar contains an entry for this variant (Variation ID: 847342). Algorithms developed to predict the effect of sequence changes on RNA splicing suggest that this variant may disrupt the consensus splice site. For these reasons, this variant has been classified as Pathogenic.

Literature cited by the submitters: PubMed 16199547 (cited by Labcorp Genetics (formerly Invitae), Labcorp); PubMed 18628313 (cited by Labcorp Genetics (formerly Invitae), Labcorp); PubMed 29572252 (cited by Labcorp Genetics (formerly Invitae), Labcorp); PubMed 23599700 (cited by Labcorp Genetics (formerly Invitae), Labcorp).

NM_000124.4(ERCC6):c.2709+1G>T

Gene: ERCC6 (ERCC excision repair 6, chromatin remodeling factor; minus strand). Cytogenetic location: 10q11.23.
Variant type: single nucleotide variant.
Coding change: c.2709+1G>T on transcript NM_000124.4 (MANE Select); the canonical splice donor site of the intron after coding-DNA position 2709, G replaced by T.
Molecular consequence: splice donor variant.
Genome position (GRCh38, 1-based): chr10:49,473,476, C>A on the plus strand (G>T on the coding strand, the complement: ERCC6 is on the minus strand). VCF-style: chr10-49473476-C-A. GRCh37 (hg19) VCF-style: chr10-50681522-C-A.
Other names: c.2709+1G>T (NM_001346440.2).
Identifiers: ClinVar variation 847342 (VCV000847342.15), dbSNP rs1850818899, ClinGen allele CA376719730.